The following is an entry in ClinVar:

ClinVar aggregate classification (germline): Likely pathogenic. Review status: criteria provided, multiple submitters, no conflicts (2 of 4 stars). 2 submissions from 2 submitters: Likely pathogenic (2). Last evaluated 2024-06-13.

Conditions:
King Denborough syndrome (KDS). Identifiers: MedGen C1840365, MONDO:0020485, OMIM 619542.
Central core myopathy (CMYO1A). Also called: Central core disease; Myopathy, central fibrillar; CONGENITAL MYOPATHY 1A, AUTOSOMAL DOMINANT, WITH SUSCEPTIBILITY TO MALIGNANT HYPERTHERMIA. Identifiers: Orphanet 597, MedGen C5830701, MONDO:0007294, OMIM 117000.
Congenital multicore myopathy with external ophthalmoplegia (CMYO1B). Also called: Congenital myopathy 1B, autosomal recessive; Minicore myopathy; MULTIMINICORE DISEASE WITH EXTERNAL OPHTHALMOPLEGIA; MULTICORE MYOPATHY; Minicore myopathy with external ophthalmoplegia. Identifiers: Orphanet 598, Orphanet 98905, MedGen C1850674, MONDO:0009712, OMIM 255320, HP:0003789.
Malignant hyperthermia, susceptibility to, 1 (MHS1). Also called: Anesthesia related hyperthermia; Malignant hyperpyrexia; Fulminating hyperpyrexia; Pharmacogenic myopathy; RYR1-Related Malignant Hyperthermia Susceptibility; Malignant hyperthermia suceptibility 1. Identifiers: Orphanet 423, MedGen C2930980, MONDO:0007783, OMIM 145600.
RYR1-related disorder. Also called: RYR1-related condition; RYR1-related disorders. Identifiers: MedGen CN239331.

Submissions (2):

Fulgent Genetics
Classification: Likely pathogenic for Central core myopathy; Malignant hyperthermia, susceptibility to, 1; Congenital multicore myopathy with external ophthalmoplegia; King Denborough syndrome. Last evaluated: 2024-06-13. Review status: criteria provided, single submitter. Criteria: ACMG Guidelines, 2015. Collection method: clinical testing. Allele origin: germline.

Labcorp Genetics (formerly Invitae), Labcorp
Classification: Likely pathogenic for RYR1-related disorder. Last evaluated: 2024-01-29. Review status: criteria provided, single submitter. Criteria: Invitae Variant Classification Sherloc (09022015). Collection method: clinical testing. Allele origin: germline.
Comment: This sequence change affects an acceptor splice site in intron 88 of the RYR1 gene. It is expected to disrupt RNA splicing. Variants that disrupt the donor or acceptor splice site typically lead to a loss of protein function (PMID: 16199547), and loss-of-function variants in RYR1 are known to be pathogenic (PMID: 23919265, 25960145, 28818389, 30611313). This variant is not present in population databases (gnomAD no frequency). This variant has not been reported in the literature in individuals affected with RYR1-related conditions. Algorithms developed to predict the effect of sequence changes on RNA splicing suggest that this variant may disrupt the consensus splice site. In summary, the currently available evidence indicates that the variant is pathogenic, but additional data are needed to prove that conclusively. Therefore, this variant has been classified as Likely Pathogenic.

Literature cited by the submitters: PubMed 16199547 (cited by Labcorp Genetics (formerly Invitae), Labcorp); PubMed 23919265 (cited by Labcorp Genetics (formerly Invitae), Labcorp); PubMed 25960145 (cited by Labcorp Genetics (formerly Invitae), Labcorp); PubMed 28818389 (cited by Labcorp Genetics (formerly Invitae), Labcorp); PubMed 30611313 (cited by Labcorp Genetics (formerly Invitae), Labcorp).

NM_000540.3(RYR1):c.12095-2A>G

Gene: RYR1 (ryanodine receptor 1; plus strand). Cytogenetic location: 19q13.2.
Variant type: single nucleotide variant.
Coding change: c.12095-2A>G on transcript NM_000540.3 (MANE Select); the canonical splice acceptor site of the intron before coding-DNA position 12095, A replaced by G.
Molecular consequence: splice acceptor variant.
Genome position (GRCh38, 1-based): chr19:38,548,231, A>G. VCF-style: chr19-38548231-A-G. GRCh37 (hg19) VCF-style: chr19-39038871-A-G.
Other names: c.12080-2A>G (NM_001042723.2).
Identifiers: ClinVar variation 2991180 (VCV002991180.4), dbSNP rs2514599811, ClinGen allele CA405665017.